The following is an entry in ClinVar:

NM_024422.6(DSC2):c.2108G>A (p.Gly703Asp)

Gene: DSC2 (desmocollin 2; minus strand). Cytogenetic location: 18q12.1.
Variant type: single nucleotide variant.
Coding change: c.2108G>A on transcript NM_024422.6 (MANE Select); coding-DNA position 2108, G replaced by A.
Protein change: p.Gly703Asp; replaces glycine 703 with aspartic acid.
Molecular consequence: missense variant.
Genome position (GRCh38, 1-based): chr18:31,071,622, C>T on the plus strand (G>A on the coding strand, the complement: DSC2 is on the minus strand). VCF-style: chr18-31071622-C-T. GRCh37 (hg19) VCF-style: chr18-28651588-C-T.
Other names: c.1679G>A, p.Gly560Asp (NM_001406506.1, NM_001406507.1); c.2108G>A, p.Gly703Asp (NM_004949.5); short protein forms G703D, G560D.
Identifiers: ClinVar variation 2869632 (VCV002869632.3), dbSNP rs1218967716, ClinGen allele CA402112746.

ClinVar aggregate classification (germline): Uncertain significance (1 of 4 stars; one submission).

Conditions:
Arrhythmogenic right ventricular dysplasia 11. Also called: ARRHYTHMOGENIC RIGHT VENTRICULAR DYSPLASIA, FAMILIAL, 11; Arrhythmogenic Right Ventricular Dysplasia/Cardiomyopathy11; Arrhythmogenic right ventricular dysplasia 11 with mild palmoplantar keratoderma and woolly hair. Identifiers: MedGen C1864850, MONDO:0012506, OMIM 610476.

gnomAD v4.1: 2 of 1,613,884 alleles (0.00012%); highest among the groups gnomAD compares: Non-Finnish European, 0.000085%; no homozygotes.

Submission:

Labcorp Genetics (formerly Invitae), Labcorp
Classification: Uncertain significance for Arrhythmogenic right ventricular dysplasia 11. Last evaluated: 2023-06-20. Review status: criteria provided, single submitter. Criteria: Invitae Variant Classification Sherloc (09022015). Collection method: clinical testing. Allele origin: germline.
Comment: In summary, the available evidence is currently insufficient to determine the role of this variant in disease. Therefore, it has been classified as a Variant of Uncertain Significance. This sequence change replaces glycine, which is neutral and non-polar, with aspartic acid, which is acidic and polar, at codon 703 of the DSC2 protein (p.Gly703Asp). This variant is not present in population databases (gnomAD no frequency). This variant has not been reported in the literature in individuals affected with DSC2-related conditions. Advanced modeling of protein sequence and biophysical properties (such as structural, functional, and spatial information, amino acid conservation, physicochemical variation, residue mobility, and thermodynamic stability) performed at Invitae indicates that this missense variant is expected to disrupt DSC2 protein function.